The following is an entry in ClinVar:

ClinVar aggregate classification (germline): Uncertain significance. Review status: criteria provided, multiple submitters, no conflicts (2 of 4 stars). 4 submissions from 4 submitters: Uncertain significance (3). 1 of the submissions does not count toward it. Last evaluated 2023-05-05.

Conditions:
Inborn genetic diseases. Identifiers: MedGen C0950123, MeSH D030342.
Retinitis pigmentosa 25 (RP25). Identifiers: Orphanet 791, MedGen C1864446, MONDO:0011272, OMIM 602772.

Allele frequency attached by ClinVar (database versions not stated): gnomAD exomes 0.00001 and 0.00003; gnomAD 0.00002; TOPMed 0.00002.
gnomAD v4.1: 47 of 1,551,168 alleles (0.003%); highest among the groups gnomAD compares: Non-Finnish European, 0.004%; no homozygotes.

Submissions (4):

Ambry Genetics
Classification: Uncertain significance for Inborn genetic diseases. Last evaluated: 2023-05-05. Review status: criteria provided, single submitter. Criteria: Ambry Variant Classification Scheme 2023. Collection method: clinical testing. Allele origin: germline.

Labcorp Genetics (formerly Invitae), Labcorp
Classification: Uncertain significance. Last evaluated: 2021-08-31. Review status: criteria provided, single submitter. Criteria: Invitae Variant Classification Sherloc (09022015). Collection method: clinical testing. Allele origin: germline.
Comment: This sequence change replaces arginine with lysine at codon 1387 of the EYS protein (p.Arg1387Lys). The arginine residue is weakly conserved and there is a small physicochemical difference between arginine and lysine. This variant is not present in population databases (ExAC no frequency). This variant has not been reported in the literature in individuals affected with EYS-related conditions. Algorithms developed to predict the effect of missense changes on protein structure and function output the following: SIFT: "Tolerated"; PolyPhen-2: "Benign"; Align-GVGD: "Class C0". The lysine amino acid residue is found in multiple mammalian species, which suggests that this missense change does not adversely affect protein function. Algorithms developed to predict the effect of sequence changes on RNA splicing suggest that this variant may create or strengthen a splice site. In summary, the available evidence is currently insufficient to determine the role of this variant in disease. Therefore, it has been classified as a Variant of Uncertain Significance.

Blueprint Genetics
Classification: Uncertain significance. Last evaluated: 2019-09-23. Review status: criteria provided, single submitter. Criteria: ACMG Guidelines, 2015. Collection method: clinical testing. Allele origin: germline.

Natera, Inc.
Classification: Uncertain significance for Retinitis pigmentosa type 25. Last evaluated: 2020-09-10. Review status: no assertion criteria provided. Collection method: clinical testing. Allele origin: germline. Not counted in ClinVar's aggregate classification.

NM_001142800.2(EYS):c.4160G>A (p.Arg1387Lys)

Gene: EYS (EGF-like photoreceptor maintenance factor; minus strand). Cytogenetic location: 6q12.
Variant type: single nucleotide variant.
Coding change: c.4160G>A on transcript NM_001142800.2 (MANE Select); coding-DNA position 4160, G replaced by A.
Protein change: p.Arg1387Lys; replaces arginine 1387 with lysine.
Molecular consequence: missense variant.
Genome position (GRCh38, 1-based): chr6:64,591,707, C>T on the plus strand (G>A on the coding strand, the complement: EYS is on the minus strand). VCF-style: chr6-64591707-C-T. GRCh37 (hg19) VCF-style: chr6-65301600-C-T.
Other names: c.4160G>A, p.Arg1387Lys (NM_001292009.2); c.4160G>A (NM_001142800.1); short protein forms R1387K.
Identifiers: ClinVar variation 1038949 (VCV001038949.9), dbSNP rs1490023696, ClinGen allele CA364783923.
Genomic context (GRCh38, chr6:64,591,707, plus strand): 5'-TGTGTAGGAAAAATAAAATCTGACATTAAGGAAGACATGATAAATGGGGTCCTTGCTCTC[C>T]TATCAGGAAAAAAGAAACCTAGTGTGGCTGCTGAAGTTCGAATAGGCATATGTGATACCG-3'
Protein context (NP_001136272.1, residues 1377-1397): AATLGFFFPD[Arg1387Lys]RARTPFIMSS